The following is an entry in ClinVar:

ClinVar aggregate classification (germline): Likely benign. Review status: criteria provided, multiple submitters, no conflicts (2 of 4 stars). 3 submissions from 3 submitters: Likely benign (2). 1 of the submissions does not count toward it. Last evaluated 2025-08-10.

Conditions:
MAP3K8-related disorder. Also called: MAP3K8-related condition.

Allele frequency attached by ClinVar (database versions not stated): ExAC 0.00006; gnomAD exomes 0.00006 and 0.00013; gnomAD 0.00010 and 0.00011; TOPMed 0.00010; ESP Exome Variant Server 0.00015.
gnomAD v4.1: 218 of 1,568,552 alleles (0.014%); highest among the groups gnomAD compares: Non-Finnish European, 0.017%; no homozygotes.

Submissions (3):

Labcorp Genetics (formerly Invitae), Labcorp
Classification: Likely benign. Last evaluated: 2025-08-10. Review status: criteria provided, single submitter. Criteria: Invitae Variant Classification Sherloc (09022015). Collection method: clinical testing. Allele origin: germline.

Blueprint Genetics
Classification: Likely benign. Last evaluated: 2024-07-03. Review status: criteria provided, single submitter. Criteria: ACMG Guidelines, 2015. Collection method: clinical testing. Allele origin: germline.

PreventionGenetics, part of Exact Sciences
Classification: Likely benign for MAP3K8-related condition. Last evaluated: 2021-10-29. Review status: no assertion criteria provided. Collection method: clinical testing. Allele origin: germline. Not counted in ClinVar's aggregate classification.
Comment: This variant is classified as likely benign based on ACMG/AMP sequence variant interpretation guidelines (Richards et al. 2015 PMID: 25741868, with internal and published modifications).

NM_005204.4(MAP3K8):c.505-10T>C

Gene: MAP3K8 (mitogen-activated protein kinase kinase kinase 8; plus strand). Cytogenetic location: 10p11.23.
Variant type: single nucleotide variant.
Coding change: c.505-10T>C on transcript NM_005204.4 (MANE Select); 10 bases into the intron before coding-DNA position 505, T replaced by C.
Molecular consequence: intron variant.
Genome position (GRCh38, 1-based): chr10:30,450,248, T>C. VCF-style: chr10-30450248-T-C. GRCh37 (hg19) VCF-style: chr10-30739177-T-C.
Other names: c.505-10T>C (NM_001244134.1, NM_001320961.2, NM_005204.3).
Identifiers: ClinVar variation 1624390 (VCV001624390.11), dbSNP rs369828926, ClinGen allele CA5459685.